The following is an entry in ClinVar:

NM_000264.5(PTCH1):c.2034C>T (p.Thr678=)

Genes: PTCH1 (patched 1; minus strand), LOC100507346 (uncharacterized LOC100507346; plus strand). Cytogenetic location: 9q22.32.
Variant type: single nucleotide variant.
Coding change: c.2034C>T on transcript NM_000264.5 (MANE Select); coding-DNA position 2034, C replaced by T.
Protein change: p.Thr678=; no amino-acid change (threonine 678 retained).
Molecular consequence: synonymous variant. On other transcripts: non-coding transcript variant (2).
Genome position (GRCh38, 1-based): chr9:95,468,967, G>A on the plus strand (C>T on the coding strand, the complement: PTCH1 is on the minus strand). VCF-style: chr9-95468967-G-A. GRCh37 (hg19) VCF-style: chr9-98231249-G-A.
Other names: c.1836C>T, p.Thr612= (NM_001083602.3); c.2031C>T, p.Thr677= (NM_001083603.3); c.1581C>T, p.Thr527= (NM_001083604.3, NM_001083605.3, NM_001083606.3 and 1 more transcripts); c.1878C>T, p.Thr626= (NM_001354918.2); c.2034C>T (NM_000264.4).
Identifiers: ClinVar variation 215684 (VCV000215684.28), dbSNP rs779883480, ClinGen allele CA338801.

ClinVar aggregate classification (germline): Likely benign. Review status: criteria provided, multiple submitters, no conflicts (2 of 4 stars). 7 submissions from 7 submitters: Likely benign (7). Last evaluated 2026-01-19.

Conditions:
Hereditary cancer-predisposing syndrome. Also called: Tumor predisposition; Neoplastic Syndromes, Hereditary; Hereditary Cancer Syndrome; Hereditary neoplastic syndrome. Identifiers: Orphanet 140162, MedGen C0027672, MeSH D009386, MONDO:0015356.
PTCH1-related disorder. Also called: PTCH1-related disorders; PTCH1-related condition.
Gorlin syndrome. Also called: Basal cell nevus syndrome; Nevoid Basal Cell Carcinoma Syndrome. Identifiers: Orphanet 377, MedGen C0004779, MONDO:0007187.

Allele frequency attached by ClinVar (database versions not stated): gnomAD 0.00001; ExAC 0.00002; gnomAD exomes 0.00002; TOPMed 0.00002.
gnomAD v4.1: 25 of 1,614,024 alleles (0.0015%); highest among the groups gnomAD compares: East Asian, 0.022%; 1 homozygote.

Submissions (7):

Labcorp Genetics (formerly Invitae), Labcorp
Classification: Likely benign for Gorlin syndrome. Last evaluated: 2026-01-19. Review status: criteria provided, single submitter. Criteria: Invitae Variant Classification Sherloc (09022015). Collection method: clinical testing. Allele origin: germline.

CeGaT Center for Human Genetics Tuebingen
Classification: Likely benign. Last evaluated: 2025-08-01. Review status: criteria provided, single submitter. Criteria: CeGaT Center For Human Genetics Tuebingen Variant Classification Criteria Version 2. Collection method: clinical testing. Allele origin: germline. Affected: yes. Observed: 2 variant alleles.
Comment: PTCH1: BP4, BP7

PreventionGenetics, part of Exact Sciences
Classification: Likely benign for PTCH1-related condition. Last evaluated: 2025-01-27. Review status: criteria provided, single submitter. Criteria: ACMG Guidelines, 2015. Collection method: clinical testing. Allele origin: germline.
Comment: This variant is classified as likely benign based on ACMG/AMP sequence variant interpretation guidelines (Richards et al. 2015 PMID: 25741868, with internal and published modifications).

KCCC/NGS Laboratory, Kuwait Cancer Control Center
Classification: Likely benign for Basal cell nevus syndrome 1. Last evaluated: 2023-07-07. Review status: criteria provided, single submitter. Criteria: ACMG Guidelines, 2015. Collection method: clinical testing. Allele origin: germline. Affected: yes.

Quest Diagnostics Nichols Institute San Juan Capistrano
Classification: Likely benign. Last evaluated: 2022-10-28. Review status: criteria provided, single submitter. Criteria: Quest Diagnostics criteria. Collection method: clinical testing. Allele origin: unknown.

Sema4
Classification: Likely benign for Hereditary cancer-predisposing syndrome. Last evaluated: 2021-10-31. Review status: criteria provided, single submitter. Criteria: Sema4 Curation Guidelines. Collection method: curation. Allele origin: germline.

Ambry Genetics
Classification: Likely benign for Hereditary cancer-predisposing syndrome. Last evaluated: 2016-11-30. Review status: criteria provided, single submitter. Criteria: Ambry Variant Classification Scheme 2023. Collection method: clinical testing. Allele origin: germline.